The following is an entry in ClinVar:

ClinVar aggregate classification (germline): Pathogenic (1 of 4 stars; one submission).

Conditions:
Blepharophimosis, ptosis, and epicanthus inversus syndrome. Identifiers: Orphanet 126, MedGen C0220663, MONDO:0007201, OMIM 110100.

Submission:

Institute of Immunology and Genetics Kaiserslautern
Classification: Pathogenic for Blepharophimosis, ptosis, and epicanthus inversus syndrome. Last evaluated: 2024-04-30. Review status: criteria provided, single submitter. Criteria: ACMG Guidelines, 2015. Collection method: clinical testing. Allele origin: de novo. Affected: yes.
Comment: ACMG Criteria: PM2_P, PVS1, PP5, PS2; Variant was found in heterozygous state. De novo-status was confirmed via in-house segregation analysis.

NM_023067.4(FOXL2):c.249C>A (p.Tyr83Ter)

Gene: FOXL2 (forkhead box L2; minus strand). Cytogenetic location: 3q22.3.
Variant type: single nucleotide variant.
Coding change: c.249C>A on transcript NM_023067.4 (MANE Select); coding-DNA position 249, C replaced by A.
Protein change: p.Tyr83Ter; replaces tyrosine 83 with a stop codon.
Molecular consequence: nonsense.
Genome position (GRCh38, 1-based): chr3:138,946,474, G>T on the plus strand (C>A on the coding strand, the complement: FOXL2 is on the minus strand). VCF-style: chr3-138946474-G-T. GRCh37 (hg19) VCF-style: chr3-138665316-G-T.
Other names: short protein forms Y83*.
Identifiers: ClinVar variation 3366961 (VCV003366961.1).